The following is an entry in ClinVar:

ClinVar aggregate classification (germline): Benign/Likely benign. Review status: criteria provided, multiple submitters, no conflicts (2 of 4 stars). 3 submissions from 3 submitters: Benign (1); Likely benign (2). Last evaluated 2026-09-29.

Conditions:
Cardiovascular phenotype. Identifiers: MedGen CN230736.
Hereditary cancer-predisposing syndrome. Also called: Hereditary neoplastic syndrome; Neoplastic Syndromes, Hereditary; Tumor predisposition; Hereditary Cancer Syndrome. Identifiers: Orphanet 140162, MedGen C0027672, MeSH D009386, MONDO:0015356.
Neurofibromatosis, type 1 (NF1). Also called: Neurofibromatosis, type I; Peripheral type neurofibromatosis; VON RECKLINGHAUSEN DISEASE; NEUROFIBROMATOSIS, TYPE I, SOMATIC. Identifiers: Orphanet 636, MedGen C0027831, MONDO:0018975, OMIM 162200. Disease mechanism: loss of function.

Submissions (3):

Myriad Genetics, Inc.
Classification: Benign for Neurofibromatosis, type 1. Last evaluated: 2026-09-29. Review status: criteria provided, single submitter. Criteria: Myriad Autosomal Dominant, Autosomal Recessive and X-Linked Classification Criteria (2023). Collection method: clinical testing. Allele origin: unknown.
Comment: This variant is considered benign. This variant is a silent/synonymous amino acid change and it is not expected to impact splicing.

Labcorp Genetics (formerly Invitae), Labcorp
Classification: Likely benign for Neurofibromatosis, type 1. Last evaluated: 2026-01-19. Review status: criteria provided, single submitter. Criteria: Invitae Variant Classification Sherloc (09022015). Collection method: clinical testing. Allele origin: germline.

Ambry Genetics
Classification: Likely benign for Cardiovascular phenotype; Hereditary cancer-predisposing syndrome. Last evaluated: 2024-07-29. Review status: criteria provided, single submitter. Criteria: Ambry Variant Classification Scheme 2023. Collection method: clinical testing. Allele origin: germline.

NM_001042492.3(NF1):c.6942C>T (p.Ala2314=)

Gene: NF1 (neurofibromin 1; plus strand). Cytogenetic location: 17q11.2.
Variant type: single nucleotide variant.
Coding change: c.6942C>T on transcript NM_001042492.3 (MANE Select); coding-DNA position 6942, C replaced by T.
Protein change: p.Ala2314=; no amino-acid change (alanine 2314 retained).
Molecular consequence: synonymous variant.
Genome position (GRCh38, 1-based): chr17:31,340,525, C>T. VCF-style: chr17-31340525-C-T. GRCh37 (hg19) VCF-style: chr17-29667543-C-T.
Other names: c.6879C>T, p.Ala2293= (NM_000267.4).
Identifiers: ClinVar variation 722516 (VCV000722516.9), dbSNP rs1597847931, ClinGen allele CA499235078.